The following is an entry in ClinVar:

ClinVar aggregate classification (germline): Uncertain significance (1 of 4 stars; one submission).

Conditions:
Congenital neutropenia-myelofibrosis-nephromegaly syndrome. Also called: Severe congenital neutropenia 5, autosomal recessive. Identifiers: Orphanet 369852, MedGen C3809031, MONDO:0014118, OMIM 615285.

Submission:

Labcorp Genetics (formerly Invitae), Labcorp
Classification: Uncertain significance for Congenital neutropenia-myelofibrosis-nephromegaly syndrome. Last evaluated: 2025-09-09. Review status: criteria provided, single submitter. Criteria: Invitae Variant Classification Sherloc (09022015). Collection method: clinical testing. Allele origin: germline.
Comment: This sequence change replaces alanine, which is neutral and non-polar, with threonine, which is neutral and polar, at codon 164 of the VPS45 protein (p.Ala164Thr). This variant is not present in population databases (gnomAD no frequency). This variant has not been reported in the literature in individuals affected with VPS45-related conditions. ClinVar contains an entry for this variant (Variation ID: 2135382). Invitae Evidence Modeling of protein sequence and biophysical properties (such as structural, functional, and spatial information, amino acid conservation, physicochemical variation, residue mobility, and thermodynamic stability) indicates that this missense variant is not expected to disrupt VPS45 protein function with a negative predictive value of 80%. In summary, the available evidence is currently insufficient to determine the role of this variant in disease. Therefore, it has been classified as a Variant of Uncertain Significance.

NM_007259.5(VPS45):c.490G>A (p.Ala164Thr)

Gene: VPS45 (vacuolar protein sorting 45 homolog; plus strand). Cytogenetic location: 1q21.2.
Variant type: single nucleotide variant.
Coding change: c.490G>A on transcript NM_007259.5 (MANE Select); coding-DNA position 490, G replaced by A.
Protein change: p.Ala164Thr; replaces alanine 164 with threonine.
Molecular consequence: missense variant. On other transcripts: intron variant (1).
Genome position (GRCh38, 1-based): chr1:150,077,145, G>A. VCF-style: chr1-150077145-G-A. GRCh37 (hg19) VCF-style: chr1-150049223-G-A.
Other names: c.382G>A, p.Ala128Thr (NM_001279354.2); c.262-524G>A (NM_001279353.2); short protein forms A164T, A128T.
Identifiers: ClinVar variation 2135382 (VCV002135382.4), dbSNP rs2526099251, ClinGen allele CA342264603.